The following is an entry in ClinVar:

ClinVar aggregate classification (germline): Conflicting classifications of pathogenicity. Review status: criteria provided, conflicting classifications (1 of 4 stars). 8 submissions from 8 submitters: Uncertain significance (5); Likely benign (2). 1 of the submissions does not count toward it. Last evaluated 2025-10-19.

Conditions:
Primary familial dilated cardiomyopathy (FDC). Also called: Hypokinetic dilated cardiomyopathy, familial; Familial dilated cardiomyopathy. Identifiers: Orphanet 217607, MedGen C0340427, MONDO:0016333.
Cardiovascular phenotype. Identifiers: MedGen CN230736.
RBM20-related disorder. Also called: RBM20-related condition.
Dilated cardiomyopathy 1DD (CMD1DD). Identifiers: Orphanet 154, MedGen C2750995, MONDO:0013168, OMIM 613172.

Allele frequency attached by ClinVar (database versions not stated): ExAC 0.00005; gnomAD 0.00007 and 0.00008; TOPMed 0.00008.
gnomAD v4.1: 64 of 1,540,606 alleles (0.0042%); highest among the groups gnomAD compares: African/African-American, 0.019%; no homozygotes.

Submissions (8):

Labcorp Genetics (formerly Invitae), Labcorp
Classification: Likely benign for Dilated cardiomyopathy 1DD. Last evaluated: 2025-10-19. Review status: criteria provided, single submitter. Criteria: Invitae Variant Classification Sherloc (09022015). Collection method: clinical testing. Allele origin: germline.

GeneDx
Classification: Uncertain significance. Last evaluated: 2025-05-21. Review status: criteria provided, single submitter. Criteria: GeneDx Variant Classification Process June 2021. Collection method: clinical testing. Allele origin: germline. Affected: yes.
Comment: Observed in a patient with DCM in the published literature (PMID: 22004663); Published functional studies are inconclusive in determining a damaging effect (PMID: 29895960); In silico analysis suggests that this missense variant does not alter protein structure/function; This variant is associated with the following publications: (PMID: 30547036, 38927106, 22004663, 29895960, 33671899)

Women's Health and Genetics/Laboratory Corporation of America, LabCorp
Classification: Uncertain significance. Last evaluated: 2024-02-08. Review status: criteria provided, single submitter. Criteria: LabCorp Variant Classification Summary - May 2015. Collection method: clinical testing. Allele origin: germline.
Comment: Variant summary: RBM20 c.3616G>A (p.Glu1206Lys) results in a conservative amino acid change in the encoded protein sequence. Three of five in-silico tools predict a benign effect of the variant on protein function. The variant allele was found at a frequency of 4.7e-05 in 149856 control chromosomes. The available data on variant occurrences in the general population are insufficient to allow any conclusion about variant significance. c.3616G>A has been reported in the literature in one individual affected with Dilated Cardiomyopathy, without strong evidence for causality (Refaat_2012). These report(s) do not provide unequivocal conclusions about association of the variant with Dilated Cardiomyopathy. One publication reports experimental evidence evaluating an impact on mouse protein function, however, does not allow convincing conclusions about the variant effect (Murayama_2018). The following publications have been ascertained in the context of this evaluation (PMID: 29895960, 22004663). ClinVar contains an entry for this variant (Variation ID: 418455). Based on the evidence outlined above, the variant was classified as uncertain significance.

Blueprint Genetics
Classification: Likely benign. Last evaluated: 2022-12-30. Review status: criteria provided, single submitter. Criteria: ACMG Guidelines, 2015. Collection method: clinical testing. Allele origin: germline.

Fulgent Genetics
Classification: Uncertain significance for Dilated cardiomyopathy 1DD. Last evaluated: 2021-08-18. Review status: criteria provided, single submitter. Criteria: ACMG Guidelines, 2015. Collection method: clinical testing. Allele origin: unknown.

Ambry Genetics
Classification: Uncertain significance for Cardiovascular phenotype. Last evaluated: 2019-04-26. Review status: criteria provided, single submitter. Criteria: Ambry Variant Classification Scheme 2023. Collection method: clinical testing. Allele origin: germline.
Comment: The p.E1206K variant (also known as c.3616G>A), located in coding exon 14 of the RBM20 gene, results from a G to A substitution at nucleotide position 3616. The glutamic acid at codon 1206 is replaced by lysine, an amino acid with similar properties. This variant was detected in a dilated cardiomyopathy cohort; however, details were limited (Refaat MM et al. Heart Rhythm, 2012 Mar;9:390-6). One study of the equivalent variant in a mouse expression vector did not indicate a significant impact on the RBM20 properties studied (Murayama R et al. Sci Rep, 2018 Jun;8:8970). This amino acid position is well conserved in available vertebrate species; however, lysine is the reference amino acid in other vertebrate species. In addition, this alteration is predicted to be deleterious by in silico analysis. Since supporting evidence is limited at this time, the clinical significance of this alteration remains unclear.

Molecular Diagnostic Laboratory for Inherited Cardiovascular Disease, Montreal Heart Institute
Classification: Uncertain significance for Primary familial dilated cardiomyopathy. Last evaluated: 2016-09-19. Review status: criteria provided, single submitter. Criteria: ACMG Guidelines, 2015. Collection method: clinical testing. Allele origin: germline. Affected: yes.

PreventionGenetics, part of Exact Sciences
Classification: Uncertain significance for RBM20-related condition. Last evaluated: 2024-04-30. Review status: no assertion criteria provided. Collection method: clinical testing. Allele origin: germline. Not counted in ClinVar's aggregate classification.
Comment: The RBM20 c.3616G>A variant is predicted to result in the amino acid substitution p.Glu1206Lys. This variant was reported in an individual with dilated cardiomyopathy (Refaat et al. 2012. PubMed ID: 22004663). Functional studies in a mouse homolog (p.Glu1178Lys) showed that this variant may moderately affect the protein function (Figure 6, Murayama et al. 2018. PubMed ID: 29895960). This variant is reported in 0.013% of alleles in individuals of South Asian descent in gnomAD. At this time, the clinical significance of this variant is uncertain due to the absence of conclusive functional and genetic evidence.

Literature cited by the submitters: PubMed 22004663 (cited by Women's Health and Genetics/Laboratory Corporation of America, LabCorp and Ambry Genetics); PubMed 29895960 (cited by Women's Health and Genetics/Laboratory Corporation of America, LabCorp and Ambry Genetics).

NM_001134363.3(RBM20):c.3616G>A (p.Glu1206Lys)

Gene: RBM20 (RNA binding motif protein 20; plus strand). Cytogenetic location: 10q25.2.
Variant type: single nucleotide variant.
Coding change: c.3616G>A on transcript NM_001134363.3 (MANE Select); coding-DNA position 3616, G replaced by A.
Protein change: p.Glu1206Lys; replaces glutamic acid 1206 with lysine.
Molecular consequence: missense variant.
Genome position (GRCh38, 1-based): chr10:110,835,910, G>A. VCF-style: chr10-110835910-G-A. GRCh37 (hg19) VCF-style: chr10-112595668-G-A.
Other names: c.3616G>A (LRG_382t1); short protein forms E1206K.
Identifiers: ClinVar variation 418455 (VCV000418455.19), dbSNP rs757389650, ClinGen allele CA5688809.
Genomic context (GRCh38, chr10:110,835,910, plus strand): 5'-CCCCTCTTCTTTCCACAGAAATATTTGTCCCAGCTGGCCGAGGAGGGCCTCAAGGAGACC[G>A]AGGGGGCAGATAGCCCGAGGCCAGAGGACAGCGGAATCGTGCCACGCTTCGAAAGGAAAA-3'
Protein context (NP_001127835.2, residues 1196-1216): QLAEEGLKET[Glu1206Lys]GADSPRPEDS